The following is an entry in ClinVar:

NM_000222.3(KIT):c.2068A>G (p.Ile690Val)

Gene: KIT (KIT proto-oncogene, receptor tyrosine kinase; plus strand). Cytogenetic location: 4q12.
Variant type: single nucleotide variant.
Coding change: c.2068A>G on transcript NM_000222.3 (MANE Select); coding-DNA position 2068, A replaced by G.
Protein change: p.Ile690Val; replaces isoleucine 690 with valine.
Molecular consequence: missense variant.
Genome position (GRCh38, 1-based): chr4:54,729,412, A>G. VCF-style: chr4-54729412-A-G. GRCh37 (hg19) VCF-style: chr4-55595578-A-G.
Other names: c.2056A>G, p.Ile686Val (NM_001093772.2, NM_001385286.1); c.2071A>G, p.Ile691Val (NM_001385284.1, NM_001385290.1); c.2068A>G, p.Ile690Val (NM_001385285.1); c.2059A>G, p.Ile687Val (NM_001385288.1, NM_001385292.1); short protein forms I690V, I686V, I687V, I691V.
Identifiers: ClinVar variation 458903 (VCV000458903.14), dbSNP rs924104591, ClinGen allele CA96877036.

ClinVar aggregate classification (germline): Uncertain significance. Review status: criteria provided, multiple submitters, no conflicts (2 of 4 stars). 4 submissions from 4 submitters: Uncertain significance (4). Last evaluated 2026-01-06.

Conditions:
Gastrointestinal stromal tumor. Also called: Gastrointestinal stroma tumor; Gastrointestinal stromal tumor, somatic. Identifiers: Orphanet 44890, MedGen C0238198, MeSH D046152, MONDO:0011719, OMIM 606764, HP:0100723.
Hereditary cancer-predisposing syndrome. Also called: Tumor predisposition; Hereditary neoplastic syndrome; Neoplastic Syndromes, Hereditary; Hereditary Cancer Syndrome. Identifiers: Orphanet 140162, MedGen C0027672, MeSH D009386, MONDO:0015356.

Allele frequency attached by ClinVar (database versions not stated): gnomAD 0.00001; gnomAD exomes 0.00001 and below 0.00001; TOPMed 0.00001.
gnomAD v4.1: 19 of 1,613,644 alleles (0.0012%); highest among the groups gnomAD compares: Non-Finnish European, 0.0015%; no homozygotes.

Submissions (4):

Labcorp Genetics (formerly Invitae), Labcorp
Classification: Uncertain significance for Gastrointestinal stromal tumor. Last evaluated: 2026-01-06. Review status: criteria provided, single submitter. Criteria: Invitae Variant Classification Sherloc (09022015). Collection method: clinical testing. Allele origin: germline.
Comment: This sequence change replaces isoleucine, which is neutral and non-polar, with valine, which is neutral and non-polar, at codon 690 of the KIT protein (p.Ile690Val). This variant is present in population databases (no rsID available, gnomAD 0.0009%). This variant has not been reported in the literature in individuals affected with KIT-related conditions. ClinVar contains an entry for this variant (Variation ID: 458903). An algorithm developed to predict the effect of missense changes on protein structure and function (PolyPhen-2) suggests that this variant is likely to be tolerated. In summary, the available evidence is currently insufficient to determine the role of this variant in disease. Therefore, it has been classified as a Variant of Uncertain Significance.

GeneDx
Classification: Uncertain significance. Last evaluated: 2024-05-31. Review status: criteria provided, single submitter. Criteria: GeneDx Variant Classification Process June 2021. Collection method: clinical testing. Allele origin: germline. Affected: yes.
Comment: Not observed at significant frequency in large population cohorts (gnomAD); In silico analysis indicates that this missense variant does not alter protein structure/function; Has not been previously published as pathogenic or benign to our knowledge; This variant is associated with the following publications: (PMID: 35884448)

Ambry Genetics
Classification: Uncertain significance for Hereditary cancer-predisposing syndrome. Last evaluated: 2024-01-31. Review status: criteria provided, single submitter. Criteria: Ambry Variant Classification Scheme 2023. Collection method: clinical testing. Allele origin: germline.
Comment: The p.I690V variant (also known as c.2068A>G), located in coding exon 14 of the KIT gene, results from an A to G substitution at nucleotide position 2068. The isoleucine at codon 690 is replaced by valine, an amino acid with highly similar properties. This amino acid position is well conserved in available vertebrate species. In addition, the in silico prediction for this alteration is inconclusive. Since supporting evidence is limited at this time, the clinical significance of this alteration remains unclear.

Baylor Genetics
Classification: Uncertain significance for Gastrointestinal stromal tumor. Last evaluated: 2023-12-08. Review status: criteria provided, single submitter. Criteria: ACMG Guidelines, 2015. Collection method: clinical testing. Allele origin: unknown.